The following is an entry in ClinVar:

ClinVar aggregate classification (germline): Uncertain significance (1 of 4 stars; one submission).

Conditions:
Progressive external ophthalmoplegia with mitochondrial DNA deletions, autosomal dominant 3. Also called: PROGRESSIVE EXTERNAL OPHTHALMOPLEGIA, AUTOSOMAL DOMINANT 3. Identifiers: MedGen C1836439, MONDO:0012241, OMIM 609286.

Submission:

3billion
Classification: Uncertain significance for Progressive external ophthalmoplegia with mitochondrial DNA deletions, autosomal dominant 3. Last evaluated: 2026-01-23. Review status: criteria provided, single submitter. Criteria: ACMG Guidelines, 2015. Collection method: clinical testing. Allele origin: germline. Affected: yes.
Comment: The variant is not observed in the gnomAD v4.1.0 dataset. Predicted Consequence/Location: Missense variant In silico tool predictions suggest damaging effect of the variant on gene or gene product [REVEL: 0.67 (>=0.6, sensitivity 0.68 and specificity 0.92); 3Cnet: 0.99 (> 0.75, sensitivity 0.96 and precision 0.92)]. Different missense changes at the same codon have been reported as of uncertain significance (ClinVar ID: VCV004083203). Therefore, this variant is classified as VUS according to the recommendation of ACMG/AMP guideline.

NM_021830.5(TWNK):c.1438G>T (p.Asp480Tyr)

Gene: TWNK (twinkle mtDNA helicase; plus strand). Cytogenetic location: 10q24.31.
Variant type: single nucleotide variant.
Coding change: c.1438G>T on transcript NM_021830.5 (MANE Select); coding-DNA position 1438, G replaced by T.
Protein change: p.Asp480Tyr; replaces aspartic acid 480 with tyrosine.
Molecular consequence: missense variant. On other transcripts: non-coding transcript variant (5).
Genome position (GRCh38, 1-based): chr10:100,989,838, G>T. VCF-style: chr10-100989838-G-T. GRCh37 (hg19) VCF-style: chr10-102749595-G-T.
Other names: c.1438G>T, p.Asp480Tyr (NM_001163812.2); c.76G>T, p.Asp26Tyr (NM_001163813.2, NM_001163814.2, NM_001368275.1); short protein forms D26Y, D480Y.
Identifiers: ClinVar variation 4853976 (VCV004853976.1).